The following is an entry in ClinVar:

ClinVar aggregate classification (germline): Uncertain significance (1 of 4 stars; one submission).

Conditions:
Congenital myasthenic syndrome 20. Also called: Myasthenic syndrome, congenital, 20, presynaptic. Identifiers: MedGen C4310694, MONDO:0014939, OMIM 617143.
Neuronopathy, distal hereditary motor, type 7A. Also called: Neuronopathy, distal hereditary motor, type viia; HARPER-YOUNG MYOPATHY; HMN VIIA; SPINAL MUSCULAR ATROPHY, DISTAL, WITH VOCAL CORD PARALYSIS; NEURONOPATHY, DISTAL HEREDITARY MOTOR, HARDING TYPE VIIA; NEUROPATHY, DISTAL HEREDITARY MOTOR, HARDING TYPE VIIA. Identifiers: Orphanet 139589, MedGen C1834703, MONDO:0008024, OMIM 158580.

gnomAD v4.1: 1 of 1,613,062 alleles (0.000062%); highest among the groups gnomAD compares: Non-Finnish European, 0.000085%; no homozygotes.

Submission:

Labcorp Genetics (formerly Invitae), Labcorp
Classification: Uncertain significance for Neuronopathy, distal hereditary motor, type 7A; Congenital myasthenic syndrome 20. Last evaluated: 2025-07-23. Review status: criteria provided, single submitter. Criteria: Invitae Variant Classification Sherloc (09022015). Collection method: clinical testing. Allele origin: germline.
Comment: This sequence change replaces glutamine, which is neutral and polar, with arginine, which is basic and polar, at codon 365 of the SLC5A7 protein (p.Gln365Arg). This variant is not present in population databases (gnomAD no frequency). This variant has not been reported in the literature in individuals affected with SLC5A7-related conditions. ClinVar contains an entry for this variant (Variation ID: 3750686). Invitae Evidence Modeling of protein sequence and biophysical properties (such as structural, functional, and spatial information, amino acid conservation, physicochemical variation, residue mobility, and thermodynamic stability) indicates that this missense variant is not expected to disrupt SLC5A7 protein function with a negative predictive value of 80%. In summary, the available evidence is currently insufficient to determine the role of this variant in disease. Therefore, it has been classified as a Variant of Uncertain Significance.

NM_021815.5(SLC5A7):c.1094A>G (p.Gln365Arg)

Gene: SLC5A7 (solute carrier family 5 member 7; plus strand). Cytogenetic location: 2q12.3.
Variant type: single nucleotide variant.
Coding change: c.1094A>G on transcript NM_021815.5 (MANE Select); coding-DNA position 1094, A replaced by G.
Protein change: p.Gln365Arg; replaces glutamine 365 with arginine.
Molecular consequence: missense variant.
Genome position (GRCh38, 1-based): chr2:108,008,663, A>G. VCF-style: chr2-108008663-A-G. GRCh37 (hg19) VCF-style: chr2-108625119-A-G.
Other names: c.1094A>G, p.Gln365Arg (NM_001305005.3); c.779A>G, p.Gln260Arg (NM_001305006.3); c.353A>G, p.Gln118Arg (NM_001305007.3); short protein forms Q118R, Q260R, Q365R.
Identifiers: ClinVar variation 3750686 (VCV003750686.2).